The following is an entry in ClinVar:

ClinVar aggregate classification (germline): Likely benign (1 of 4 stars; one submission).

Allele frequency attached by ClinVar (database versions not stated): TOPMed below 0.00001; ExAC 0.00001; gnomAD 0.00001; gnomAD exomes 0.00001; 1000 Genomes Project 30x 0.00016; 1000 Genomes Project 0.00020.
gnomAD v4.1: 20 of 1,613,278 alleles (0.0012%); highest among the groups gnomAD compares: African/African-American, 0.0053%; no homozygotes.

Submission:

CeGaT Center for Human Genetics Tuebingen
Classification: Likely benign. Last evaluated: 2022-05-01. Review status: criteria provided, single submitter. Criteria: CeGaT Center For Human Genetics Tuebingen Variant Classification Criteria Version 2. Collection method: clinical testing. Allele origin: germline. Affected: yes. Observed: 1 variant allele.
Comment: KCNN3: BP4, BP7

NM_002249.6(KCNN3):c.2172G>A (p.Pro724=)

Gene: KCNN3 (potassium calcium-activated channel subfamily N member 3; minus strand). Cytogenetic location: 1q21.3.
Variant type: single nucleotide variant.
Coding change: c.2172G>A on transcript NM_002249.6 (MANE Select); coding-DNA position 2172, G replaced by A.
Protein change: p.Pro724=; no amino-acid change (proline 724 retained).
Molecular consequence: synonymous variant.
Genome position (GRCh38, 1-based): chr1:154,708,000, C>T on the plus strand (G>A on the coding strand, the complement: KCNN3 is on the minus strand). VCF-style: chr1-154708000-C-T. GRCh37 (hg19) VCF-style: chr1-154680476-C-T.
Other names: c.2217G>A, p.Pro739= (NM_001204087.2); c.1278G>A, p.Pro426= (NM_001365837.1); c.1233G>A, p.Pro411= (NM_001365838.1); c.1257G>A, p.Pro419= (NM_170782.3).
Identifiers: ClinVar variation 2639376 (VCV002639376.24), dbSNP rs199920438, ClinGen allele CA1131900.
Genomic context (GRCh38, chr1:154,708,000, plus strand): 5'-ACCTATGGGTAATGCTTCTGGAGTGGGGAGATTTATTTAGCAACTGCTTGAACTTGTGTA[C>T]GGGGTCGGGAAGGAGGTGGAGCTGACCCCAATGGGGCTATCGGAGATTGGGGTGTGGGTG-3'
Protein context (NP_002240.3, residues 714-731): IGVSSTSFPT[Pro724=]YTSSSSC